The following is an entry in ClinVar:

ClinVar aggregate classification (germline): Uncertain significance (1 of 4 stars; one submission).

Conditions:
Neuropathy, hereditary motor and sensory, type 6B (HMSN6B). Also called: Neuropathy, hereditary motor and sensory, type VIB; NEUROPATHY, HEREDITARY MOTOR AND SENSORY, TYPE VIB, WITH OPTIC ATROPHY; HMSN VIB; CHARCOT-MARIE-TOOTH DISEASE, TYPE 6B. Identifiers: MedGen C4225302, MONDO:0014671, OMIM 616505.

Allele frequency attached by ClinVar (database versions not stated): TOPMed below 0.00001; gnomAD 0.00001; gnomAD exomes 0.00001 and 0.00002; ExAC 0.00003.
gnomAD v4.1: 18 of 1,613,686 alleles (0.0011%); highest among the groups gnomAD compares: Non-Finnish European, 0.0015%; no homozygotes.

Submission:

Labcorp Genetics (formerly Invitae), Labcorp
Classification: Uncertain significance for Neuropathy, hereditary motor and sensory, type 6B. Last evaluated: 2022-07-19. Review status: criteria provided, single submitter. Criteria: Invitae Variant Classification Sherloc (09022015). Collection method: clinical testing. Allele origin: germline.
Comment: Algorithms developed to predict the effect of missense changes on protein structure and function are either unavailable or do not agree on the potential impact of this missense change (SIFT: "Tolerated"; PolyPhen-2: "Possibly Damaging"; Align-GVGD: "Class C0"). ClinVar contains an entry for this variant (Variation ID: 844094). This variant has not been reported in the literature in individuals affected with SLC25A46-related conditions. This variant is present in population databases (rs746484775, gnomAD 0.005%). This sequence change replaces leucine, which is neutral and non-polar, with phenylalanine, which is neutral and non-polar, at codon 310 of the SLC25A46 protein (p.Leu310Phe). In summary, the available evidence is currently insufficient to determine the role of this variant in disease. Therefore, it has been classified as a Variant of Uncertain Significance.

NM_138773.4(SLC25A46):c.930G>T (p.Leu310Phe)

Gene: SLC25A46 (solute carrier family 25 member 46; plus strand). Cytogenetic location: 5q22.1.
Variant type: single nucleotide variant.
Coding change: c.930G>T on transcript NM_138773.4 (MANE Select); coding-DNA position 930, G replaced by T.
Protein change: p.Leu310Phe; replaces leucine 310 with phenylalanine.
Molecular consequence: missense variant. On other transcripts: non-coding transcript variant (1).
Genome position (GRCh38, 1-based): chr5:110,761,455, G>T. VCF-style: chr5-110761455-G-T. GRCh37 (hg19) VCF-style: chr5-110097155-G-T.
Other names: c.687G>T, p.Leu229Phe (NM_001303249.3); c.657G>T, p.Leu219Phe (NM_001303250.3); short protein forms L219F, L229F, L310F.
Identifiers: ClinVar variation 844094 (VCV000844094.9), dbSNP rs746484775, ClinGen allele CA3364778.